The following is an entry in ClinVar:

ClinVar aggregate classification (germline): Uncertain significance (1 of 4 stars; one submission).

gnomAD v4.1: 2 of 1,613,750 alleles (0.00012%); highest among the groups gnomAD compares: Admixed American, 0.0033%; no homozygotes.

Submission:

Labcorp Genetics (formerly Invitae), Labcorp
Classification: Uncertain significance. Last evaluated: 2023-09-06. Review status: criteria provided, single submitter. Criteria: Invitae Variant Classification Sherloc (09022015). Collection method: clinical testing. Allele origin: germline.
Comment: An algorithm developed to predict the effect of missense changes on protein structure and function (PolyPhen-2) suggests that this variant is likely to be tolerated. This variant has not been reported in the literature in individuals affected with CACNA1D-related conditions. This variant is present in population databases (rs753048719, gnomAD 0.003%). This sequence change replaces arginine, which is basic and polar, with leucine, which is neutral and non-polar, at codon 2145 of the CACNA1D protein (p.Arg2145Leu). In summary, the available evidence is currently insufficient to determine the role of this variant in disease. Therefore, it has been classified as a Variant of Uncertain Significance.

NM_001128840.3(CACNA1D):c.6374G>T (p.Arg2125Leu)

Gene: CACNA1D (calcium voltage-gated channel subunit alpha1 D; plus strand). Cytogenetic location: 3p21.1.
Variant type: single nucleotide variant.
Coding change: c.6374G>T on transcript NM_001128840.3 (MANE Select); coding-DNA position 6374, G replaced by T.
Protein change: p.Arg2125Leu; replaces arginine 2125 with leucine.
Molecular consequence: missense variant.
Genome position (GRCh38, 1-based): chr3:53,811,294, G>T. VCF-style: chr3-53811294-G-T. GRCh37 (hg19) VCF-style: chr3-53845321-G-T.
Other names: c.6434G>T, p.Arg2145Leu (NM_000720.4); c.6302G>T, p.Arg2101Leu (NM_001128839.3); short protein forms R2145L, R2101L, R2125L.
Identifiers: ClinVar variation 2893559 (VCV002893559.3), dbSNP rs753048719, ClinGen allele CA2455439.